The following is an entry in ClinVar:

ClinVar aggregate classification (germline): Pathogenic (1 of 4 stars; one submission).

Conditions:
Hereditary cancer-predisposing syndrome. Also called: Neoplastic Syndromes, Hereditary; Tumor predisposition; Hereditary Cancer Syndrome; Hereditary neoplastic syndrome. Identifiers: Orphanet 140162, MedGen C0027672, MeSH D009386, MONDO:0015356.

Submission:

Ambry Genetics
Classification: Pathogenic for Hereditary cancer-predisposing syndrome. Last evaluated: 2026-02-03. Review status: criteria provided, single submitter. Criteria: Ambry Variant Classification Scheme 2023. Collection method: clinical testing. Allele origin: germline.
Comment: The c.1981delG pathogenic mutation, located in coding exon 13 of the CTNNA1 gene, results from a deletion of one nucleotide at nucleotide position 1981, causing a translational frameshift with a predicted alternate stop codon (p.D661Ifs*3). This variant is considered to be rare based on population cohorts in the Genome Aggregation Database (gnomAD). This variant is expected to result in loss of function by premature protein truncation or nonsense-mediated mRNA decay. As such, this variant is interpreted as a disease-causing mutation.

NM_001903.5(CTNNA1):c.1981del (p.Asp661fs)

Gene: CTNNA1 (catenin alpha 1; plus strand). Cytogenetic location: 5q31.2.
Variant type: Deletion.
Coding change: c.1981del on transcript NM_001903.5 (MANE Select); coding-DNA position 1981, one base deleted (G; older notation c.1981delG).
Protein change: p.Asp661fs; shifts the reading frame from aspartic acid 661.
Molecular consequence: frameshift variant.
Genome position (GRCh38, 1-based): chr5:138,929,327, G deleted. VCF-style (leftmost placement, unchanged base first): chr5-138929326-CG-C. GRCh37 (hg19) VCF-style: chr5-138265015-CG-C.
Other names: c.1981del, p.Asp661fs (NM_001290307.3, NM_001323982.2, NM_001323983.1 and 2 more transcripts); c.1672del, p.Asp558fs (NM_001290309.3); c.1612del, p.Asp538fs (NM_001290310.3); c.871del, p.Asp291fs (NM_001290312.1, NM_001323996.1, NM_001323997.1 and 17 more transcripts); c.532del, p.Asp178fs (NM_001324006.1, NM_001324007.1, NM_001324008.1 and 2 more transcripts); c.778del, p.Asp260fs (NM_001324011.1); c.628del, p.Asp210fs (NM_001324012.1, NM_001324013.1); c.1888del, p.Asp630fs (NM_001323986.2); short protein forms D178fs, D291fs, D661fs, D210fs, D260fs, D558fs, D630fs, D538fs.
Identifiers: ClinVar variation 4844448 (VCV004844448.1).
Genomic context (GRCh38, chr5:138,929,326, plus strand): 5'-CTCTGACTTTGAGACAGAAGATTTTGATGTCAGAAGCAGGACGAGCGTCCAGACAGAAGA[CG>C]ATCAGCTGATAGCTGGCCAGAGTGCCCGGGTAAGGAAGCGCTCCGTGGGGCAGTTCAGCT-3'